The following is an entry in ClinVar:

ClinVar aggregate classification (germline): Uncertain significance (1 of 4 stars; one submission).

Allele frequency attached by ClinVar (database versions not stated): ExAC 0.00001; gnomAD 0.00001 and 0.00002; TOPMed 0.00001; gnomAD exomes 0.00002.
gnomAD v4.1: 14 of 1,614,190 alleles (0.00087%); highest among the groups gnomAD compares: Admixed American, 0.0067%; no homozygotes.

Submission:

Labcorp Genetics (formerly Invitae), Labcorp
Classification: Uncertain significance. Last evaluated: 2025-12-08. Review status: criteria provided, single submitter. Criteria: Invitae Variant Classification Sherloc (09022015). Collection method: clinical testing. Allele origin: germline.
Comment: This sequence change replaces lysine, which is basic and polar, with arginine, which is basic and polar, at codon 315 of the TGFB1 protein (p.Lys315Arg). This variant is present in population databases (rs199516461, gnomAD 0.006%). This variant has not been reported in the literature in individuals affected with TGFB1-related conditions. ClinVar contains an entry for this variant (Variation ID: 1383975). Invitae Evidence Modeling of protein sequence and biophysical properties (such as structural, functional, and spatial information, amino acid conservation, physicochemical variation, residue mobility, and thermodynamic stability) indicates that this missense variant is not expected to disrupt TGFB1 protein function with a negative predictive value of 80%. In summary, the available evidence is currently insufficient to determine the role of this variant in disease. Therefore, it has been classified as a Variant of Uncertain Significance.

NM_000660.7(TGFB1):c.944A>G (p.Lys315Arg)

Gene: TGFB1 (transforming growth factor beta 1; minus strand). Cytogenetic location: 19q13.2.
Variant type: single nucleotide variant.
Coding change: c.944A>G on transcript NM_000660.7 (MANE Select); coding-DNA position 944, A replaced by G.
Protein change: p.Lys315Arg; replaces lysine 315 with arginine.
Molecular consequence: missense variant.
Genome position (GRCh38, 1-based): chr19:41,332,198, T>C on the plus strand (A>G on the coding strand, the complement: TGFB1 is on the minus strand). VCF-style: chr19-41332198-T-C. GRCh37 (hg19) VCF-style: chr19-41838103-T-C.
Other names: short protein forms K315R.
Identifiers: ClinVar variation 1383975 (VCV001383975.6), dbSNP rs199516461, ClinGen allele CA9459947.
Genomic context (GRCh38, chr19:41,332,198, plus strand): 5'-TGCGTGTCCAGGCTCCAAATGTAGGGGCAGGGCCCGAGGCAGAAGTTGGCATGGTAGCCC[T>C]TGGGCTCGTGGATCCACTTCCAGCCGAGGTCCTTGCGGAAGTCAATGTACAGCTGCCGCA-3'
Protein context (NP_000651.3, residues 305-325): DLGWKWIHEP[Lys315Arg]GYHANFCLGP